The following is an entry in ClinVar:

NM_006885.4(ZFHX3):c.2345C>T (p.Ala782Val)

Gene: ZFHX3 (zinc finger homeobox 3; minus strand). Cytogenetic location: 16q22.3.
Variant type: single nucleotide variant.
Coding change: c.2345C>T on transcript NM_006885.4 (MANE Select); coding-DNA position 2345, C replaced by T.
Protein change: p.Ala782Val; replaces alanine 782 with valine.
Molecular consequence: missense variant. On other transcripts: intron variant (1).
Genome position (GRCh38, 1-based): chr16:72,957,801, G>A on the plus strand (C>T on the coding strand, the complement: ZFHX3 is on the minus strand). VCF-style: chr16-72957801-G-A. GRCh37 (hg19) VCF-style: chr16-72991700-G-A.
Other names: c.2345C>T, p.Ala782Val (NM_001386735.1); c.-23-6836C>T (NM_001164766.2); short protein forms A782V.
Identifiers: ClinVar variation 3034283 (VCV003034283.3), dbSNP rs62639304, ClinGen allele CA8164450.

ClinVar aggregate classification (germline): Likely benign. Review status: criteria provided, single submitter (1 of 4 stars). 2 submissions from 2 submitters: Likely benign (1). 1 of the submissions does not count toward it. Last evaluated 2024-11-25.

Conditions:
ZFHX3-related disorder. Also called: ZFHX3-related condition.

Allele frequency attached by ClinVar (database versions not stated): gnomAD 0.00514; 1000 Genomes Project 0.00519; ESP Exome Variant Server 0.00556; TOPMed 0.00595.
gnomAD v4.1: 1,579 of 1,594,978 alleles (0.099%); highest among the groups gnomAD compares: African/African-American, 1.8%; 15 homozygotes.

Submissions (2):

Blueprint Genetics
Classification: Likely benign. Last evaluated: 2024-11-25. Review status: criteria provided, single submitter. Criteria: ACMG Guidelines, 2015. Collection method: clinical testing. Allele origin: germline.

PreventionGenetics, part of Exact Sciences
Classification: Benign for ZFHX3-related condition. Last evaluated: 2019-08-12. Review status: no assertion criteria provided. Collection method: clinical testing. Allele origin: germline. Not counted in ClinVar's aggregate classification.
Comment: This variant is classified as benign based on ACMG/AMP sequence variant interpretation guidelines (Richards et al. 2015 PMID: 25741868, with internal and published modifications).